The following is an entry in ClinVar:

NM_003748.4(ALDH4A1):c.200del (p.Val67fs)

Gene: ALDH4A1 (aldehyde dehydrogenase 4 family member A1; minus strand). Cytogenetic location: 1p36.13.
Variant type: Deletion.
Coding change: c.200del on transcript NM_003748.4 (MANE Select); coding-DNA position 200, one base deleted (T; older notation c.200delT).
Protein change: p.Val67fs; shifts the reading frame from valine 67.
Molecular consequence: frameshift variant.
Genome position (GRCh38, 1-based): chr1:18,889,411, A deleted on the plus strand (T on the coding strand, the reverse complement: ALDH4A1 is on the minus strand). VCF-style (leftmost placement, unchanged base first): chr1-18889410-CA-C. GRCh37 (hg19) VCF-style: chr1-19215904-CA-C.
Other names: c.20del, p.Val7fs (NM_001161504.2); c.200del, p.Val67fs (NM_001319218.2, NM_170726.3); short protein forms V67fs, V7fs.
Identifiers: ClinVar variation 4770797 (VCV004770797.1).

ClinVar aggregate classification (germline): Pathogenic (1 of 4 stars; one submission).

Conditions:
Hyperprolinemia type 2 (HYRPRO2). Also called: 1-PYRROLINE-5-CARBOXYLATE DEHYDROGENASE DEFICIENCY; Deficiency of pyrroline-5-carboxylate reductase; Delta-1-pyrroline-5-carboxylate dehydrogenase deficiency. Identifiers: Orphanet 79101, MedGen C2931835, MONDO:0009401, OMIM 239510.

Submission:

Labcorp Genetics (formerly Invitae), Labcorp
Classification: Pathogenic for Hyperprolinemia type 2. Last evaluated: 2026-01-26. Review status: criteria provided, single submitter. Criteria: Invitae Variant Classification Sherloc (09022015). Collection method: clinical testing. Allele origin: germline.
Comment: This sequence change creates a premature translational stop signal (p.Val67Glyfs*52) in the ALDH4A1 gene. It is expected to result in an absent or disrupted protein product. Loss-of-function variants in ALDH4A1 are known to be pathogenic (PMID: 956388, 4369405, 9700195). This variant is not present in population databases (gnomAD no frequency). This variant has not been reported in the literature in individuals affected with ALDH4A1-related conditions. For these reasons, this variant has been classified as Pathogenic.

Literature cited by the submitters: PubMed 956388; PubMed 4369405; PubMed 9700195.